The following is an entry in ClinVar:

ClinVar aggregate classification (germline): Pathogenic (1 of 4 stars; one submission).

Conditions:
Joubert syndrome. Also called: CEREBELLOPARENCHYMAL DISORDER IV; JOUBERT-BOLTSHAUSER SYNDROME; Familial aplasia of the vermis. Identifiers: Orphanet 475, MedGen C5979921, MONDO:0018772.
Meckel-Gruber syndrome. Also called: DYSENCEPHALIA SPLANCHNOCYSTICA; GRUBER SYNDROME; Dysencephalia splachnocystica. Identifiers: Orphanet 564, MedGen C0265215, MONDO:0018921.

Allele frequency attached by ClinVar (database versions not stated): TOPMed below 0.00001.

Submissions (2):

Labcorp Genetics (formerly Invitae), Labcorp
Classification: Pathogenic for Joubert syndrome; Meckel-Gruber syndrome. Last evaluated: 2022-03-26. Review status: criteria provided, single submitter. Criteria: Invitae Variant Classification Sherloc (09022015). Collection method: clinical testing. Allele origin: germline.
Comment: This sequence change creates a premature translational stop signal (p.Glu173*) in the MKS1 gene. It is expected to result in an absent or disrupted protein product. Loss-of-function variants in MKS1 are known to be pathogenic (PMID: 19466712, 24886560, 26490104). This variant is not present in population databases (gnomAD no frequency). This variant has not been reported in the literature in individuals affected with MKS1-related conditions. Algorithms developed to predict the effect of sequence changes on RNA splicing suggest that this variant may create or strengthen a splice site. For these reasons, this variant has been classified as Pathogenic.

Dr. Peter K. Rogan Lab, Western University
No classification provided (evidence only). Condition: Melanoma. Review status: no classification provided. Collection method: in vitro. Allele origin: not applicable. Functional consequence: retained intron. Not counted in ClinVar's aggregate classification.

Literature cited by the submitters: PubMed 19466712 (cited by Labcorp Genetics (formerly Invitae), Labcorp); PubMed 24886560 (cited by Labcorp Genetics (formerly Invitae), Labcorp); PubMed 26490104 (cited by Labcorp Genetics (formerly Invitae), Labcorp).

NM_017777.4(MKS1):c.517G>T (p.Glu173Ter)

Gene: MKS1 (MKS transition zone complex subunit 1; minus strand). Cytogenetic location: 17q22.
Variant type: single nucleotide variant.
Coding change: c.517G>T on transcript NM_017777.4 (MANE Select); coding-DNA position 517, G replaced by T.
Protein change: p.Glu173Ter; replaces glutamic acid 173 with a stop codon.
Molecular consequence: nonsense. On other transcripts: 5 prime UTR variant (1).
Genome position (GRCh38, 1-based): chr17:58,214,386, C>A on the plus strand (G>T on the coding strand, the complement: MKS1 is on the minus strand). VCF-style: chr17-58214386-C-A. GRCh37 (hg19) VCF-style: chr17-56291747-C-A.
Other names: c.-93G>T (NM_001321268.2); c.517G>T, p.Glu173Ter (NM_001321269.2, NM_001330397.2, NM_001411113.1); short protein forms E173*.
Identifiers: ClinVar variation 2199224 (VCV002199224.5), dbSNP rs1969067636, ClinGen allele CA400327095.